The following is an entry in ClinVar:

ClinVar aggregate classification (germline): Conflicting classifications of pathogenicity. Review status: criteria provided, conflicting classifications (1 of 4 stars). 2 submissions from 2 submitters: Likely pathogenic (1); Uncertain significance (1). Last evaluated 2023-03-30.

Allele frequency attached by ClinVar (database versions not stated): gnomAD exomes 0.00001 and 0.00004; TOPMed 0.00001; gnomAD 0.00002.

Submissions (2):

Blueprint Genetics
Classification: Uncertain significance. Last evaluated: 2023-03-30. Review status: criteria provided, single submitter. Criteria: ACMG Guidelines, 2015. Collection method: clinical testing. Allele origin: germline.

GeneDx
Classification: Likely pathogenic. Last evaluated: 2018-06-08. Review status: criteria provided, single submitter. Criteria: GeneDx Variant Classification (06012015). Collection method: clinical testing. Allele origin: germline. Affected: yes.
Comment: The c.3717_3718delCT variant in the C2orf71 gene has not been reported previously as a pathogenic variant nor as a benign variant, to our knowledge. The c.3717_3718delCT variant causes a frameshift starting with codon Cysteine 1240, changes this amino acid to a Phenylalanine residue, and creates a premature Stop codon at position 3 of the new reading frame, denoted p.Cys1240PhefsX3. This variant is predicted to cause loss of normal protein function through protein truncation, as the last 49 amino acids are lost and replaced with 2 incorrect amino acids. The c.3717_3718delCT variant is not observed at a significant frequency in large population cohorts (Lek et al., 2016). We interpret c.3717_3718delCT as a likely pathogenic variant.

NM_001029883.3(PCARE):c.3717_3718del (p.Cys1240fs)

Gene: PCARE (photoreceptor cilium actin regulator; minus strand). Cytogenetic location: 2p23.2.
Variant type: Deletion.
Coding change: c.3717_3718del on transcript NM_001029883.3 (MANE Select); coding-DNA positions 3717 to 3718, 2 bases deleted (CT; older notation c.3717_3718delCT).
Protein change: p.Cys1240fs; shifts the reading frame from cysteine 1240.
Molecular consequence: frameshift variant.
Genome position (GRCh38, 1-based): chr2:29,065,018-29,065,019, AG deleted on the plus strand (CT on the coding strand, the reverse complement: PCARE is on the minus strand). VCF-style (leftmost placement, unchanged base first): chr2-29065017-CAG-C. GRCh37 (hg19) VCF-style: chr2-29287883-CAG-C.
Other names: short protein forms C1240fs.
Identifiers: ClinVar variation 817091 (VCV000817091.2), dbSNP rs1407602065, ClinGen allele CA531766774.